The following is an entry in ClinVar:

ClinVar aggregate classification (germline): Likely benign. Review status: criteria provided, multiple submitters, no conflicts (2 of 4 stars). 4 submissions from 4 submitters: Likely benign (4). Last evaluated 2026-01-24.

Conditions:
Cardiovascular phenotype. Identifiers: MedGen CN230736.

Allele frequency attached by ClinVar (database versions not stated): gnomAD 0.00004 and 0.00005; gnomAD exomes 0.00006; TOPMed 0.00006; 1000 Genomes Project 30x 0.00031.
gnomAD v4.1: 49 of 1,550,190 alleles (0.0032%); highest among the groups gnomAD compares: Admixed American, 0.014%; no homozygotes.

Submissions (4):

Labcorp Genetics (formerly Invitae), Labcorp
Classification: Likely benign. Last evaluated: 2026-01-24. Review status: criteria provided, single submitter. Criteria: Invitae Variant Classification Sherloc (09022015). Collection method: clinical testing. Allele origin: germline.

Mayo Clinic Laboratories, Mayo Clinic
Classification: Likely benign. Last evaluated: 2025-01-15. Review status: criteria provided, single submitter. Criteria: ACMG Guidelines, 2015. Collection method: clinical testing. Allele origin: germline. Observed: 1 variant allele.
Comment: BP4, BP7

Ambry Genetics
Classification: Likely benign for Cardiovascular phenotype. Last evaluated: 2019-04-04. Review status: criteria provided, single submitter. Criteria: Ambry Variant Classification Scheme 2023. Collection method: clinical testing. Allele origin: germline.

GeneDx
Classification: Likely benign. Last evaluated: 2018-05-01. Review status: criteria provided, single submitter. Criteria: GeneDx Variant Classification Process June 2021. Collection method: clinical testing. Allele origin: germline. Affected: yes.

NM_001367624.2(ZNF469):c.10881G>A (p.Pro3627=)

Gene: ZNF469 (zinc finger protein 469; plus strand). Cytogenetic location: 16q24.2.
Variant type: single nucleotide variant.
Coding change: c.10881G>A on transcript NM_001367624.2 (MANE Select); coding-DNA position 10881, G replaced by A.
Protein change: p.Pro3627=; no amino-acid change (proline 3627 retained).
Molecular consequence: synonymous variant.
Genome position (GRCh38, 1-based): chr16:88,438,351, G>A. VCF-style: chr16-88438351-G-A. GRCh37 (hg19) VCF-style: chr16-88504759-G-A.
Other names: NM_001127464.1:c.10797G>A; p.Pro3627=.
Identifiers: ClinVar variation 1219464 (VCV001219464.11), dbSNP rs904689767, ClinGen allele CA286387379.